The following is an entry in ClinVar:

NM_000229.2(LCAT):c.368G>A (p.Arg123His)

Gene: LCAT (lecithin-cholesterol acyltransferase; minus strand). Cytogenetic location: 16q22.1.
Variant type: single nucleotide variant.
Coding change: c.368G>A on transcript NM_000229.2 (MANE Select); coding-DNA position 368, G replaced by A.
Protein change: p.Arg123His; replaces arginine 123 with histidine.
Molecular consequence: missense variant.
Genome position (GRCh38, 1-based): chr16:67,942,920, C>T on the plus strand (G>A on the coding strand, the complement: LCAT is on the minus strand). VCF-style: chr16-67942920-C-T. GRCh37 (hg19) VCF-style: chr16-67976823-C-T.
Other names: short protein forms R123H.
Identifiers: ClinVar variation 1327876 (VCV001327876.4), dbSNP rs199717050, ClinGen allele CA8121099.

ClinVar aggregate classification (germline): Conflicting classifications of pathogenicity. Review status: criteria provided, conflicting classifications (1 of 4 stars). 2 submissions from 2 submitters: Uncertain significance (1); Likely benign (1). Last evaluated 2024-05-03.

Allele frequency attached by ClinVar (database versions not stated): TOPMed 0.00001; ExAC 0.00013; gnomAD 0.00025 and 0.00027.
gnomAD v4.1: 157 of 1,613,756 alleles (0.0097%); highest among the groups gnomAD compares: Middle Eastern, 0.016%; no homozygotes.

Submissions (2):

Labcorp Genetics (formerly Invitae), Labcorp
Classification: Likely benign. Last evaluated: 2024-05-03. Review status: criteria provided, single submitter. Criteria: Invitae Variant Classification Sherloc (09022015). Collection method: clinical testing. Allele origin: germline.

GeneDx
Classification: Uncertain significance. Last evaluated: 2021-04-22. Review status: criteria provided, single submitter. Criteria: GeneDx Variant Classification Process June 2021. Collection method: clinical testing. Allele origin: germline. Affected: yes.
Comment: In silico analysis supports that this missense variant has a deleterious effect on protein structure/function; Identified in a GWAS study in possible association with decreased HDL-C levels (Davis et al., 2017); This variant is associated with the following publications: (PMID: 29084231)